The following is an entry in ClinVar:

ClinVar aggregate classification (germline): Uncertain significance (1 of 4 stars; one submission).

gnomAD v4.1: 17 of 1,614,132 alleles (0.0011%); highest among the groups gnomAD compares: Non-Finnish European, 0.0014%; no homozygotes.

Submission:

Labcorp Genetics (formerly Invitae), Labcorp
Classification: Uncertain significance. Last evaluated: 2022-05-01. Review status: criteria provided, single submitter. Criteria: Invitae Variant Classification Sherloc (09022015). Collection method: clinical testing. Allele origin: germline.
Comment: This variant has not been reported in the literature in individuals affected with IL6ST-related conditions. In summary, the available evidence is currently insufficient to determine the role of this variant in disease. Therefore, it has been classified as a Variant of Uncertain Significance. Algorithms developed to predict the effect of missense changes on protein structure and function (SIFT, PolyPhen-2, Align-GVGD) all suggest that this variant is likely to be tolerated. This variant is present in population databases (no rsID available, gnomAD 0.0009%). This sequence change replaces phenylalanine, which is neutral and non-polar, with tyrosine, which is neutral and polar, at codon 888 of the IL6ST protein (p.Phe888Tyr).

NM_002184.4(IL6ST):c.2663T>A (p.Phe888Tyr)

Gene: IL6ST (interleukin 6 cytokine family signal transducer; minus strand). Cytogenetic location: 5q11.2.
Variant type: single nucleotide variant.
Coding change: c.2663T>A on transcript NM_002184.4 (MANE Select); coding-DNA position 2663, T replaced by A.
Protein change: p.Phe888Tyr; replaces phenylalanine 888 with tyrosine.
Molecular consequence: missense variant. On other transcripts: 3 prime UTR variant (1), non-coding transcript variant (2).
Genome position (GRCh38, 1-based): chr5:55,941,176, A>T on the plus strand (T>A on the coding strand, the complement: IL6ST is on the minus strand). VCF-style: chr5-55941176-A-T. GRCh37 (hg19) VCF-style: chr5-55237004-A-T.
Other names: c.2480T>A, p.Phe827Tyr (NM_001190981.2); c.2561T>A, p.Phe854Tyr (NM_001364275.2); c.2453T>A, p.Phe818Tyr (NM_001364276.2); c.1796T>A, p.Phe599Tyr (NM_001364277.2); c.1760T>A, p.Phe587Tyr (NM_001364278.2); c.1667T>A, p.Phe556Tyr (NM_001364279.2); c.*1590T>A (NM_175767.3); short protein forms F827Y, F854Y, F888Y, F556Y, F587Y, F599Y, F818Y.
Identifiers: ClinVar variation 2132433 (VCV002132433.4), dbSNP rs1488091436, ClinGen allele CA359777589.